The following is an entry in ClinVar:

ClinVar aggregate classification (germline): Uncertain significance (1 of 4 stars; one submission).

Submission:

GeneDx
Classification: Uncertain significance. Last evaluated: 2025-07-29. Review status: criteria provided, single submitter. Criteria: GeneDx Variant Classification Process June 2021. Collection method: clinical testing. Allele origin: germline. Affected: yes.
Comment: Not observed at significant frequency in large population cohorts (gnomAD); In silico analysis suggests that this missense variant does not alter protein structure/function; Has not been previously published as pathogenic or benign to our knowledge

NM_001378120.1(MBD5):c.3974T>G (p.Val1325Gly)

Gene: MBD5 (methyl-CpG binding domain protein 5; plus strand). Cytogenetic location: 2q23.1.
Variant type: single nucleotide variant.
Coding change: c.3974T>G on transcript NM_001378120.1 (MANE Select); coding-DNA position 3974, T replaced by G.
Protein change: p.Val1325Gly; replaces valine 1325 with glycine.
Molecular consequence: missense variant.
Genome position (GRCh38, 1-based): chr2:148,489,606, T>G. VCF-style: chr2-148489606-T-G. GRCh37 (hg19) VCF-style: chr2-149247175-T-G.
Other names: c.3974T>G, p.Val1325Gly (NM_001438854.1, NM_001438856.1, NM_001438857.1 and 1 more transcripts); c.3275T>G, p.Val1092Gly (NM_001438855.1, NM_001438859.1, NM_001438860.1 and 3 more transcripts); short protein forms V1092G, V1325G.
Identifiers: ClinVar variation 4690045 (VCV004690045.1).